The following is an entry in ClinVar:

ClinVar aggregate classification (germline): Conflicting classifications of pathogenicity. Review status: criteria provided, conflicting classifications (1 of 4 stars). 3 submissions from 3 submitters: Uncertain significance (1); Likely benign (2). Last evaluated 2026-01-22.

Conditions:
Nemaline myopathy 2 (NEM2). Also called: Nemaline myopathy 2, autosomal recessive. Identifiers: MedGen C1850569, MONDO:0009725, OMIM 256030.

Allele frequency attached by ClinVar (database versions not stated): TOPMed 0.00009; gnomAD 0.00012; ESP Exome Variant Server 0.00057.
gnomAD v4.1: 244 of 1,613,630 alleles (0.015%); highest among the groups gnomAD compares: Non-Finnish European, 0.02%; no homozygotes.

Submissions (3):

Labcorp Genetics (formerly Invitae), Labcorp
Classification: Likely benign for Nemaline myopathy 2. Last evaluated: 2026-01-22. Review status: criteria provided, single submitter. Criteria: Invitae Variant Classification Sherloc (09022015). Collection method: clinical testing. Allele origin: germline.

CeGaT Center for Human Genetics Tuebingen
Classification: Likely benign. Last evaluated: 2026-01-01. Review status: criteria provided, single submitter. Criteria: CeGaT Center For Human Genetics Tuebingen Variant Classification Criteria Version 2. Collection method: clinical testing. Allele origin: germline. Affected: yes. Observed: 1 variant allele.
Comment: NEB: BP4, BP7

Illumina Laboratory Services, Illumina
Classification: Uncertain significance for Nemaline myopathy 2. Last evaluated: 2018-01-12. Review status: criteria provided, single submitter. Criteria: ICSL Variant Classification Criteria 13 December 2019. Collection method: clinical testing. Allele origin: germline.

NM_001164508.2(NEB):c.6624G>A (p.Pro2208=)

Gene: NEB (nebulin; minus strand). Cytogenetic location: 2q23.3.
Variant type: single nucleotide variant.
Coding change: c.6624G>A on transcript NM_001164508.2 (MANE Select); coding-DNA position 6624, G replaced by A.
Protein change: p.Pro2208=; no amino-acid change (proline 2208 retained).
Molecular consequence: synonymous variant.
Genome position (GRCh38, 1-based): chr2:151,655,895, C>T on the plus strand (G>A on the coding strand, the complement: NEB is on the minus strand). VCF-style: chr2-151655895-C-T. GRCh37 (hg19) VCF-style: chr2-152512409-C-T.
Other names: c.6624G>A, p.Pro2208= (NM_001164507.2, NM_001271208.2, NM_004543.5).
Identifiers: ClinVar variation 770341 (VCV000770341.19), dbSNP rs373278622, ClinGen allele CA1910057.
Genomic context (GRCh38, chr2:151,655,895, plus strand): 5'-ATTCTGCTTGGCAAGCACCATGTCCATGGAATCAGTCAGCTTCTTAAACTGGAAGTTGCT[C>T]GGGTGCTGGCGGTATTTCTGATCACTGGCATATTCAGTTGCTTTCTTGGCCTTCTCCACT-3'
Protein context (NP_001157980.2, residues 2198-2218): YASDQKYRQH[Pro2208=]SNFQFKKLTD